The following is an entry in ClinVar:

ClinVar aggregate classification (germline): Uncertain significance. Review status: criteria provided, multiple submitters, no conflicts (2 of 4 stars). 4 submissions from 4 submitters: Uncertain significance (4). Last evaluated 2025-12-29.

Conditions:
Familial adenomatous polyposis 1 (FAP1). Also called: FAMILIAL ADENOMATOUS POLYPOSIS 1, ATTENUATED; POLYPOSIS, ADENOMATOUS INTESTINAL. Identifiers: MedGen C2713442, MONDO:0021056, OMIM 175100. Disease mechanism: loss of function.
Hereditary cancer-predisposing syndrome. Also called: Tumor predisposition; Hereditary Cancer Syndrome; Hereditary neoplastic syndrome; Neoplastic Syndromes, Hereditary. Identifiers: Orphanet 140162, MedGen C0027672, MeSH D009386, MONDO:0015356.

Allele frequency attached by ClinVar (database versions not stated): gnomAD 0.00001; TOPMed 0.00001.
gnomAD v4.1: 1 of 1,612,268 alleles (0.000062%); highest among the groups gnomAD compares: Non-Finnish European, 0.000085%; no homozygotes.

Submissions (4):

Center for Genomic Medicine, Rigshospitalet, Copenhagen University Hospital
Classification: Uncertain significance. Last evaluated: 2025-12-29. Review status: criteria provided, single submitter. Criteria: ACMG Guidelines, 2015. Collection method: clinical testing. Allele origin: germline.

Ambry Genetics
Classification: Uncertain significance for Hereditary cancer-predisposing syndrome. Last evaluated: 2024-11-13. Review status: criteria provided, single submitter. Criteria: Ambry Variant Classification Scheme 2023. Collection method: clinical testing. Allele origin: germline.
Comment: The p.A239T variant (also known as c.715G>A), located in coding exon 6 of the APC gene, results from a G to A substitution at nucleotide position 715. The alanine at codon 239 is replaced by threonine, an amino acid with similar properties. This amino acid position is well conserved in available vertebrate species. In addition, in silico predictors for this gene do not accurately predict pathogenicity. Missense alterations in APC are not a common cause of disease (Spier I et al. Genet Med. 2024 Feb;26(2):100992). Based on the available evidence, the clinical significance of this variant remains unclear.

GeneDx
Classification: Uncertain significance. Last evaluated: 2022-06-28. Review status: criteria provided, single submitter. Criteria: GeneDx Variant Classification Process June 2021. Collection method: clinical testing. Allele origin: germline. Affected: yes.
Comment: Not observed at significant frequency in large population cohorts (gnomAD); In silico analysis supports that this missense variant does not alter protein structure/function; Has not been previously published as pathogenic or benign to our knowledge

Labcorp Genetics (formerly Invitae), Labcorp
Classification: Uncertain significance for Familial adenomatous polyposis 1. Last evaluated: 2022-06-19. Review status: criteria provided, single submitter. Criteria: Invitae Variant Classification Sherloc (09022015). Collection method: clinical testing. Allele origin: germline.
Comment: This sequence change replaces alanine, which is neutral and non-polar, with threonine, which is neutral and polar, at codon 239 of the APC protein (p.Ala239Thr). This variant is present in population databases (no rsID available, gnomAD 0.0009%). This variant has not been reported in the literature in individuals affected with APC-related conditions. In summary, the available evidence is currently insufficient to determine the role of this variant in disease. Therefore, it has been classified as a Variant of Uncertain Significance. Algorithms developed to predict the effect of missense changes on protein structure and function (SIFT, PolyPhen-2, Align-GVGD) all suggest that this variant is likely to be tolerated. ClinVar contains an entry for this variant (Variation ID: 411514).

NM_000038.6(APC):c.715G>A (p.Ala239Thr)

Gene: APC (APC regulator of Wnt signaling pathway; plus strand). Cytogenetic location: 5q22.2.
Variant type: single nucleotide variant.
Coding change: c.715G>A on transcript NM_000038.6 (MANE Select); coding-DNA position 715, G replaced by A.
Protein change: p.Ala239Thr; replaces alanine 239 with threonine.
Molecular consequence: missense variant. On other transcripts: 5 prime UTR variant (1), intron variant (2).
Genome position (GRCh38, 1-based): chr5:112,792,515, G>A. VCF-style: chr5-112792515-G-A. GRCh37 (hg19) VCF-style: chr5-112128212-G-A.
Other names: c.715G>A, p.Ala239Thr (NM_001127510.3, NM_001354895.2, NM_001354896.2 and 1 more transcripts); c.745G>A, p.Ala249Thr (NM_001354897.2, NM_001354902.2); c.640G>A, p.Ala214Thr (NM_001354898.2, NM_001354904.2); c.538G>A, p.Ala180Thr (NM_001354900.2, NM_001354901.2, NM_001354905.2); c.-321G>A (NM_001354906.2); c.676-8764G>A (NM_001127511.3); c.646-8764G>A (NM_001354899.2); short protein forms A239T, A180T, A214T, A249T.
Identifiers: ClinVar variation 411514 (VCV000411514.18), dbSNP rs777760565, ClinGen allele CA16022896.